The following is an entry in ClinVar:

ClinVar aggregate classification (germline): Uncertain significance (1 of 4 stars; one submission).

Submission:

Ambry Genetics
Classification: Uncertain significance. Last evaluated: 2022-07-27. Review status: criteria provided, single submitter. Criteria: Ambry Variant Classification Scheme 2023. Collection method: clinical testing. Allele origin: germline.
Comment: The p.L93V variant (also known as c.277C>G), located in coding exon 4 of the NPAT gene, results from a C to G substitution at nucleotide position 277. The leucine at codon 93 is replaced by valine, an amino acid with highly similar properties. This amino acid position is conserved. In addition, the in silico prediction for this alteration is inconclusive. Since supporting evidence is limited at this time, the clinical significance of this alteration remains unclear.

NM_002519.3(NPAT):c.277C>G (p.Leu93Val)

Gene: NPAT (nuclear protein, coactivator of histone transcription; minus strand). Cytogenetic location: 11q22.3.
Variant type: single nucleotide variant.
Coding change: c.277C>G on transcript NM_002519.3 (MANE Select); coding-DNA position 277, C replaced by G.
Protein change: p.Leu93Val; replaces leucine 93 with valine.
Molecular consequence: missense variant.
Genome position (GRCh38, 1-based): chr11:108,192,131, G>C on the plus strand (C>G on the coding strand, the complement: NPAT is on the minus strand). VCF-style: chr11-108192131-G-C. GRCh37 (hg19) VCF-style: chr11-108062858-G-C.
Other names: c.277C>G, p.Leu93Val (NM_001321307.1); short protein forms L93V.
Identifiers: ClinVar variation 1795898 (VCV001795898.2), dbSNP rs2496751272, ClinGen allele CA382526539.